The following is an entry in ClinVar:

ClinVar aggregate classification (germline): Uncertain significance (1 of 4 stars; one submission).

Conditions:
Hereditary cancer-predisposing syndrome. Also called: Tumor predisposition; Neoplastic Syndromes, Hereditary; Hereditary Cancer Syndrome; Hereditary neoplastic syndrome. Identifiers: Orphanet 140162, MedGen C0027672, MeSH D009386, MONDO:0015356.

Allele frequency attached by ClinVar (database versions not stated): gnomAD exomes below 0.00001.
gnomAD v4.1: 2 of 1,614,168 alleles (0.00012%); highest among the groups gnomAD compares: Non-Finnish European, 0.00017%; no homozygotes.

Submission:

Ambry Genetics
Classification: Uncertain significance for Hereditary cancer-predisposing syndrome. Last evaluated: 2022-02-07. Review status: criteria provided, single submitter. Criteria: Ambry Variant Classification Scheme 2023. Collection method: clinical testing. Allele origin: germline.
Comment: The p.A105T variant (also known as c.313G>A), located in coding exon 5 of the MAX gene, results from a G to A substitution at nucleotide position 313. The alanine at codon 105 is replaced by threonine, an amino acid with similar properties. This amino acid position is conserved. In addition, the in silico prediction for this alteration is inconclusive. Since supporting evidence is limited at this time, the clinical significance of this alteration remains unclear.

NM_002382.5(MAX):c.313G>A (p.Ala105Thr)

Gene: MAX (MYC associated transcriptional regulator X; minus strand). Cytogenetic location: 14q23.3.
Variant type: single nucleotide variant.
Coding change: c.313G>A on transcript NM_002382.5 (MANE Select); coding-DNA position 313, G replaced by A.
Protein change: p.Ala105Thr; replaces alanine 105 with threonine.
Molecular consequence: missense variant. On other transcripts: 3 prime UTR variant (1), intron variant (2).
Genome position (GRCh38, 1-based): chr14:65,076,646, C>T on the plus strand (G>A on the coding strand, the complement: MAX is on the minus strand). VCF-style: chr14-65076646-C-T. GRCh37 (hg19) VCF-style: chr14-65543364-C-T.
Other names: c.124G>A, p.Ala42Thr (NM_001320415.2, NM_001407106.1, NM_001407105.1 and 1 more transcripts); c.313G>A, p.Ala105Thr (NM_001407094.1); c.286G>A, p.Ala96Thr (NM_001407095.1, NM_145112.3); c.*86G>A (NM_001407096.1, NM_001407099.1, NM_001407102.1 and 2 more transcripts); c.*102G>A (NM_001407097.1, NM_001407100.1, NM_001407101.1 and 4 more transcripts); c.205G>A, p.Ala69Thr (NM_001407098.1); c.112G>A, p.Ala38Thr (NM_001407111.1, NM_001407112.1); c.144+17062G>A (NM_001271069.2); and 1 more; short protein forms A69T, A96T, A38T, A105T, A42T.
Identifiers: ClinVar variation 1728073 (VCV001728073.2), dbSNP rs2504176041, ClinGen allele CA390031966.
Genomic context (GRCh38, chr14:65,076,646, plus strand): 5'-TGGTGTAGAGGCTGTTGTCTGAGGAGGGGTAGTTGGTCTGCAGTTGGGCACTTGACCTCG[C>T]CTTCTCCAGTGCACGGACTAAAAGGCAACCAAGGGAGTGTGTTACTGCCTTCTGGAGACT-3'
Protein context (NP_002373.3, residues 95-115): LEQQVRALEK[Ala105Thr]RSSAQLQTNY